The following is an entry in ClinVar:

ClinVar aggregate classification (germline): Uncertain significance (1 of 4 stars; one submission).

Submission:

CeGaT Center for Human Genetics Tuebingen
Classification: Uncertain significance. Last evaluated: 2024-04-01. Review status: criteria provided, single submitter. Criteria: CeGaT Center For Human Genetics Tuebingen Variant Classification Criteria Version 2. Collection method: clinical testing. Allele origin: germline. Affected: yes. Observed: 1 variant allele.
Comment: PHOX2B: PM2, BP3

NM_003924.4(PHOX2B):c.729_764del (p.Ala249_Ala260del)

Genes: PHOX2B (paired like homeobox 2B; minus strand), LOC110011216 (paired like homeobox 2b polyalanine repeat instability region; plus strand). Cytogenetic location: 4p13.
Variant type: Deletion.
Coding change: c.729_764del on transcript NM_003924.4 (MANE Select); coding-DNA positions 729 to 764, 36 bases deleted.
Protein change: p.Ala249_Ala260del.
Molecular consequence: inframe deletion.
Genome position (GRCh38, 1-based): chr4:41,745,988-41,746,023, 36 bases deleted; deleting any 36 consecutive bases within chr4:41,745,988-41,746,028 gives the same sequence; the c. name uses the placement nearest the transcript's 3' end. GRCh37 (hg19): chr4:41,748,010-41,748,045.
Identifiers: ClinVar variation 3234453 (VCV003234453.20), dbSNP rs1733876864, ClinGen allele CA2497074302.